The following is an entry in ClinVar:

ClinVar aggregate classification (germline): Uncertain significance (1 of 4 stars; one submission).

Conditions:
Adenylosuccinate lyase deficiency (ADSLD). Also called: ADSL DEFICIENCY. Identifiers: Orphanet 46, MedGen C0268126, MONDO:0007068, OMIM 103050.

Allele frequency attached by ClinVar (database versions not stated): gnomAD exomes below 0.00001; TOPMed below 0.00001; ESP Exome Variant Server 0.00008.

Submission:

Labcorp Genetics (formerly Invitae), Labcorp
Classification: Uncertain significance for Adenylosuccinate lyase deficiency. Last evaluated: 2024-09-30. Review status: criteria provided, single submitter. Criteria: Invitae Variant Classification Sherloc (09022015). Collection method: clinical testing. Allele origin: germline.
Comment: This sequence change replaces methionine, which is neutral and non-polar, with leucine, which is neutral and non-polar, at codon 76 of the ADSL protein (p.Met76Leu). This variant is not present in population databases (gnomAD no frequency). This variant has not been reported in the literature in individuals affected with ADSL-related conditions. ClinVar contains an entry for this variant (Variation ID: 1019240). Invitae Evidence Modeling of protein sequence and biophysical properties (such as structural, functional, and spatial information, amino acid conservation, physicochemical variation, residue mobility, and thermodynamic stability) indicates that this missense variant is not expected to disrupt ADSL protein function with a negative predictive value of 80%. In summary, the available evidence is currently insufficient to determine the role of this variant in disease. Therefore, it has been classified as a Variant of Uncertain Significance.

NM_000026.4(ADSL):c.226A>C (p.Met76Leu)

Gene: ADSL (adenylosuccinate lyase; plus strand). Cytogenetic location: 22q13.1.
Variant type: single nucleotide variant.
Coding change: c.226A>C on transcript NM_000026.4 (MANE Select); coding-DNA position 226, A replaced by C.
Protein change: p.Met76Leu; replaces methionine 76 with leucine.
Molecular consequence: missense variant. On other transcripts: non-coding transcript variant (1).
Genome position (GRCh38, 1-based): chr22:40,349,904, A>C. VCF-style: chr22-40349904-A-C. GRCh37 (hg19) VCF-style: chr22-40745908-A-C.
Other names: c.226A>C, p.Met76Leu (NM_001123378.3, NM_001363840.3); c.34A>C, p.Met12Leu (NM_001317923.2); short protein forms M12L, M76L.
Identifiers: ClinVar variation 1019240 (VCV001019240.7), dbSNP rs145306334, ClinGen allele CA324449265.